The following is an entry in ClinVar:

ClinVar aggregate classification (germline): Uncertain significance. Review status: criteria provided, multiple submitters, no conflicts (2 of 4 stars). 2 submissions from 2 submitters: Uncertain significance (2). Last evaluated 2025-08-21.

Conditions:
Early-infantile DEE. Also called: Early infantile epileptic encephalopathy with suppression bursts; Early infantile epileptic encephalopathy; Ohtahara syndrome. Identifiers: Orphanet 1934, MedGen C0393706, MONDO:0800491.
SCN1A-related disorder. Also called: SCN1A-related conditions; SCN1A-related condition; SCN1A-related disorders.

Submissions (2):

3billion
Classification: Uncertain significance for SCN1A-related disorder. Last evaluated: 2025-08-21. Review status: criteria provided, single submitter. Criteria: ACMG Guidelines, 2015. Collection method: clinical testing. Allele origin: germline. Affected: yes.
Comment: The variant is not observed in the gnomAD v4.1.0 dataset. Predicted Consequence/Location: Missense variant In silico tool predictions suggest damaging effect of the variant on gene or gene product [REVEL: 0.98 (>=0.6, sensitivity 0.68 and specificity 0.92); 3Cnet: 0.99 (> 0.75, sensitivity 0.96 and precision 0.92)]. Different missense changes at the same codon (p.Leu1359Gln, p.Leu1359Ile) have been reported to be associated with SCN1A-related disorder (PMID: 27734276, 28202706). However the evidence of pathogenicity is insufficient at this time. Therefore, this variant is classified as VUS according to the recommendation of ACMG/AMP guideline.

Labcorp Genetics (formerly Invitae), Labcorp
Classification: Uncertain significance for Early-infantile DEE. Last evaluated: 2022-07-10. Review status: criteria provided, single submitter. Criteria: Invitae Variant Classification Sherloc (09022015). Collection method: clinical testing. Allele origin: germline.
Comment: In summary, the available evidence is currently insufficient to determine the role of this variant in disease. Therefore, it has been classified as a Variant of Uncertain Significance. Advanced modeling of protein sequence and biophysical properties (such as structural, functional, and spatial information, amino acid conservation, physicochemical variation, residue mobility, and thermodynamic stability) performed at Invitae indicates that this missense variant is expected to disrupt SCN1A protein function. This variant has not been reported in the literature in individuals affected with SCN1A-related conditions. This variant is not present in population databases (gnomAD no frequency). This sequence change replaces leucine, which is neutral and non-polar, with proline, which is neutral and non-polar, at codon 1359 of the SCN1A protein (p.Leu1359Pro).

Literature cited by the submitters: PubMed 27734276 (cited by 3billion).

NM_001165963.4(SCN1A):c.4076T>C (p.Leu1359Pro)

Genes: SCN1A (sodium voltage-gated channel alpha subunit 1; minus strand), LOC102724058 (uncharacterized LOC102724058; plus strand). Cytogenetic location: 2q24.3.
Variant type: single nucleotide variant.
Coding change: c.4076T>C on transcript NM_001165963.4 (MANE Select); coding-DNA position 4076, T replaced by C.
Protein change: p.Leu1359Pro; replaces leucine 1359 with proline.
Molecular consequence: missense variant. On other transcripts: non-coding transcript variant (1).
Genome position (GRCh38, 1-based): chr2:166,002,680, A>G on the plus strand (T>C on the coding strand, the complement: SCN1A is on the minus strand). VCF-style: chr2-166002680-A-G. GRCh37 (hg19) VCF-style: chr2-166859190-A-G.
Other names: c.3992T>C, p.Leu1331Pro (NM_001165964.3, NM_001353957.2, NM_001353958.2); c.4076T>C, p.Leu1359Pro (NM_001202435.3, NM_001353948.2); c.4043T>C, p.Leu1348Pro (NM_001353949.2, NM_001353950.2, NM_001353951.2 and 2 more transcripts); c.4040T>C, p.Leu1347Pro (NM_001353954.2, NM_001353955.2); c.3989T>C, p.Leu1330Pro (NM_001353960.2); c.1634T>C, p.Leu545Pro (NM_001353961.2); short protein forms L1347P, L1359P, L1331P, L1330P, L545P, L1348P.
Identifiers: ClinVar variation 2015806 (VCV002015806.5), dbSNP rs112767060, ClinGen allele CA349050587.
Genomic context (GRCh38, chr2:166,002,680, plus strand): 5'-GTGTTAATACAGTGGTAGAATTTGCCAGCAAACAAATTTACGCCCATGATGCTGAAAATT[A>G]GCCAGAATATAAGACAAACCAGAAGCACATTCATGATGGATGGAATTGCTCCTAAAAGGG-3'
Protein context (NP_001159435.1, residues 1349-1369): NVLLVCLIFW[Leu1359Pro]IFSIMGVNLF